The following is an entry in ClinVar:

ClinVar aggregate classification (germline): Likely benign. Review status: criteria provided, multiple submitters, no conflicts (2 of 4 stars). 6 submissions from 6 submitters: Likely benign (3). 3 of the submissions do not count toward it. Last evaluated 2025-08-03.

Conditions:
PKD1L1-related disorder. Also called: PKD1L1-related condition.

Allele frequency attached by ClinVar (database versions not stated): gnomAD exomes 0.00072 and 0.00080; ExAC 0.00083; TOPMed 0.00084; gnomAD 0.00088 and 0.00052; 1000 Genomes Project 0.00020; 1000 Genomes Project 30x 0.00031; ESP Exome Variant Server 0.00069.
gnomAD v4.1: 1,294 of 1,614,048 alleles (0.08%); highest among the groups gnomAD compares: Non-Finnish European, 0.095%; 2 homozygotes.

Submissions (6):

Labcorp Genetics (formerly Invitae), Labcorp
Classification: Likely benign. Last evaluated: 2025-08-03. Review status: criteria provided, single submitter. Criteria: Invitae Variant Classification Sherloc (09022015). Collection method: clinical testing. Allele origin: germline.

Blueprint Genetics
Classification: Likely benign. Last evaluated: 2024-11-05. Review status: criteria provided, single submitter. Criteria: ACMG Guidelines, 2015. Collection method: clinical testing. Allele origin: germline.

CeGaT Center for Human Genetics Tuebingen
Classification: Likely benign. Last evaluated: 2022-07-01. Review status: criteria provided, single submitter. Criteria: CeGaT Center For Human Genetics Tuebingen Variant Classification Criteria Version 2. Collection method: clinical testing. Allele origin: germline. Affected: yes. Observed: 1 variant allele.
Comment: PKD1L1: BP4, BP7

PreventionGenetics, part of Exact Sciences
Classification: Likely benign for PKD1L1-related condition. Last evaluated: 2021-10-18. Review status: no assertion criteria provided. Collection method: clinical testing. Allele origin: germline. Not counted in ClinVar's aggregate classification.
Comment: This variant is classified as likely benign based on ACMG/AMP sequence variant interpretation guidelines (Richards et al. 2015 PMID: 25741868, with internal and published modifications).

Clinical Genetics DNA and cytogenetics Diagnostics Lab, Erasmus MC, Erasmus Medical Center
Classification: Likely benign. Review status: no assertion criteria provided. Collection method: clinical testing. Allele origin: germline. Affected: yes. Study: VKGL Data-share Consensus. Not counted in ClinVar's aggregate classification.

Genome Diagnostics Laboratory, University Medical Center Utrecht
Classification: Likely benign. Review status: no assertion criteria provided. Collection method: clinical testing. Allele origin: germline. Affected: yes. Study: VKGL Data-share Consensus. Not counted in ClinVar's aggregate classification.

NM_138295.5(PKD1L1):c.2979A>T (p.Ser993=)

Gene: PKD1L1 (polycystin 1 like 1, transient receptor potential channel interacting; minus strand). Cytogenetic location: 7p12.3.
Variant type: single nucleotide variant.
Coding change: c.2979A>T on transcript NM_138295.5 (MANE Select); coding-DNA position 2979, A replaced by T.
Protein change: p.Ser993=; no amino-acid change (serine 993 retained).
Molecular consequence: synonymous variant.
Genome position (GRCh38, 1-based): chr7:47,885,912, T>A on the plus strand (A>T on the coding strand, the complement: PKD1L1 is on the minus strand). VCF-style: chr7-47885912-T-A. GRCh37 (hg19) VCF-style: chr7-47925510-T-A.
Identifiers: ClinVar variation 715847 (VCV000715847.35), dbSNP rs147875086, ClinGen allele CA4253573.